The following is an entry in ClinVar:

ClinVar aggregate classification (germline): Uncertain significance (1 of 4 stars; one submission).

Conditions:
BLTP1-related disorder. Also called: BLTP1-related condition.

Submission:

PreventionGenetics, part of Exact Sciences
Classification: Uncertain significance for BLTP1-related condition. Last evaluated: 2022-12-27. Review status: criteria provided, single submitter. Criteria: ACMG Guidelines, 2015. Collection method: clinical testing. Allele origin: germline.
Comment: The BLTP1 c.11132T>C variant is predicted to result in the amino acid substitution p.Phe3711Ser. To our knowledge, this variant has not been reported in the literature or in a large population database, indicating this variant is rare. At this time, the clinical significance of this variant is uncertain due to the absence of conclusive functional and genetic evidence.

NM_001384125.1(BLTP1):c.11396T>C (p.Phe3799Ser)

Gene: BLTP1 (bridge-like lipid transfer protein family member 1; plus strand). Cytogenetic location: 4q27.
Variant type: single nucleotide variant.
Coding change: c.11396T>C on transcript NM_001384125.1 (MANE Select); coding-DNA position 11396, T replaced by C.
Protein change: p.Phe3799Ser; replaces phenylalanine 3799 with serine.
Molecular consequence: missense variant.
Genome position (GRCh38, 1-based): chr4:122,328,240, T>C. VCF-style: chr4-122328240-T-C. GRCh37 (hg19) VCF-style: chr4-123249395-T-C.
Other names: c.11132T>C, p.Phe3711Ser (NM_015312.4); short protein forms F3711S, F3799S.
Identifiers: ClinVar variation 2629793 (VCV002629793.1), dbSNP rs2482740668, ClinGen allele CA358074846.
Genomic context (GRCh38, chr4:122,328,240, plus strand): 5'-GATCATGTTCTGTGTTCAGTTCTCCCAAAACTCCAGGAGGCTTTTCACCAGGCATTCCTT[T>C]CCAAACTGAAGAGGGCCGACGGGATGACAGTTTGTCTTCTACCAGTGAAGATTCCGAGAA-3'
Protein context (NP_001371054.1, residues 3789-3809): TPGGFSPGIP[Phe3799Ser]QTEEGRRDDS